The following is an entry in ClinVar:

NM_053025.4(MYLK):c.4983C>T (p.Phe1661=)

Genes: MYLK-AS1 (MYLK antisense RNA 1; plus strand), MYLK (myosin light chain kinase; minus strand), LOC126806791 (MED14-independent group 3 enhancer GRCh37_chr3:123347871-123349070; plus strand). Cytogenetic location: 3q21.1.
Variant type: single nucleotide variant.
Coding change: c.4983C>T on transcript NM_053025.4 (MANE Select); coding-DNA position 4983, C replaced by T.
Protein change: p.Phe1661=; no amino-acid change (phenylalanine 1661 retained).
Molecular consequence: synonymous variant. On other transcripts: non-coding transcript variant (2), intron variant (2).
Genome position (GRCh38, 1-based): chr3:123,629,605, G>A on the plus strand (C>T on the coding strand, the complement: MYLK is on the minus strand). VCF-style: chr3-123629605-G-A. GRCh37 (hg19) VCF-style: chr3-123348452-G-A.
Other names: c.4455C>T, p.Phe1485= (NM_001321309.2); c.4776C>T, p.Phe1592= (NM_053026.4); c.4755-2664C>T (NM_053028.4); c.4962-2664C>T (NM_053027.4).
Identifiers: ClinVar variation 1210629 (VCV001210629.18), dbSNP rs367656778, ClinGen allele CA072358.

ClinVar aggregate classification (germline): Benign/Likely benign. Review status: criteria provided, multiple submitters, no conflicts (2 of 4 stars). 6 submissions from 6 submitters: Benign (1); Likely benign (4). 1 of the submissions does not count toward it. Last evaluated 2026-01-21.

Conditions:
Aortic aneurysm, familial thoracic 7 (AAT7). Also called: AORTIC DISSECTION, FAMILIAL, WITH OR WITHOUT AORTIC ANEURYSM. Identifiers: MedGen C3151077, MONDO:0013418, OMIM 613780.
MYLK-related disorder. Also called: MYLK-related condition.
Familial thoracic aortic aneurysm and aortic dissection (TAAD). Also called: Thoracic aortic aneurysms and dissections. Identifiers: Orphanet 91387, MedGen C4707243, MONDO:0019625.

Allele frequency attached by ClinVar (database versions not stated): gnomAD exomes 0.00002 and 0.00006; ExAC 0.00006; gnomAD 0.00011; TOPMed 0.00018; ESP Exome Variant Server 0.00023; 1000 Genomes Project 30x 0.00047; 1000 Genomes Project 0.00060.
gnomAD v4.1: 45 of 1,614,016 alleles (0.0028%); highest among the groups gnomAD compares: African/African-American, 0.033%; no homozygotes.

Submissions (6):

Labcorp Genetics (formerly Invitae), Labcorp
Classification: Likely benign for Aortic aneurysm, familial thoracic 7. Last evaluated: 2026-01-21. Review status: criteria provided, single submitter. Criteria: Invitae Variant Classification Sherloc (09022015). Collection method: clinical testing. Allele origin: germline.

Women's Health and Genetics/Laboratory Corporation of America, LabCorp
Classification: Benign. Last evaluated: 2024-01-08. Review status: criteria provided, single submitter. Criteria: LabCorp Variant Classification Summary - May 2015. Collection method: clinical testing. Allele origin: germline.

CHEO Genetics Diagnostic Laboratory, Children's Hospital of Eastern Ontario
Classification: Likely benign for Familial thoracic aortic aneurysm and aortic dissection. Last evaluated: 2022-01-13. Review status: criteria provided, single submitter. Criteria: ACMG Guidelines, 2015. Collection method: clinical testing. Allele origin: germline.

GeneDx
Classification: Likely benign. Last evaluated: 2021-02-18. Review status: criteria provided, single submitter. Criteria: GeneDx Variant Classification Process June 2021. Collection method: clinical testing. Allele origin: germline. Affected: yes.

Ambry Genetics
Classification: Likely benign for Familial thoracic aortic aneurysm and aortic dissection. Last evaluated: 2020-03-19. Review status: criteria provided, single submitter. Criteria: Ambry Variant Classification Scheme 2023. Collection method: clinical testing. Allele origin: germline.

PreventionGenetics, part of Exact Sciences
Classification: Likely benign for MYLK-related condition. Last evaluated: 2021-06-14. Review status: no assertion criteria provided. Collection method: clinical testing. Allele origin: germline. Not counted in ClinVar's aggregate classification.
Comment: This variant is classified as likely benign based on ACMG/AMP sequence variant interpretation guidelines (Richards et al. 2015 PMID: 25741868, with internal and published modifications).